The following is an entry in ClinVar:

ClinVar aggregate classification (germline): Benign/Likely benign. Review status: criteria provided, multiple submitters, no conflicts (2 of 4 stars). 9 submissions from 9 submitters: Benign (5); Likely benign (4). Last evaluated 2026-08-01.

Conditions:
Hereditary cancer-predisposing syndrome. Also called: Hereditary neoplastic syndrome; Hereditary Cancer Syndrome; Neoplastic Syndromes, Hereditary; Tumor predisposition. Identifiers: Orphanet 140162, MedGen C0027672, MeSH D009386, MONDO:0015356.
Neuroblastoma, susceptibility to, 3. Also called: ALK-Related Neuroblastic Tumor Susceptibility. Identifiers: Orphanet 635, MedGen C2751681, MONDO:0013083, OMIM 613014.

Allele frequency attached by ClinVar (database versions not stated): 1000 Genomes Project 0.00260; 1000 Genomes Project 30x 0.00265; gnomAD 0.00363; TOPMed 0.00413; ESP Exome Variant Server 0.00484.
gnomAD v4.1: 1,340 of 1,614,136 alleles (0.083%); highest among the groups gnomAD compares: African/African-American, 1.2%; 2 homozygotes.

Submissions (9):

CeGaT Center for Human Genetics Tuebingen
Classification: Likely benign. Last evaluated: 2026-08-01. Review status: criteria provided, single submitter. Criteria: CeGaT Center For Human Genetics Tuebingen Variant Classification Criteria Version 2. Collection method: clinical testing. Allele origin: germline. Affected: yes. Observed: 1 variant allele.
Comment: ALK: BP4, BP7, BS1

Labcorp Genetics (formerly Invitae), Labcorp
Classification: Benign for Neuroblastoma, susceptibility to, 3. Last evaluated: 2026-02-04. Review status: criteria provided, single submitter. Criteria: Invitae Variant Classification Sherloc (09022015). Collection method: clinical testing. Allele origin: germline.

Mayo Clinic Laboratories, Mayo Clinic
Classification: Likely benign. Last evaluated: 2025-06-11. Review status: criteria provided, single submitter. Criteria: ACMG Guidelines, 2015. Collection method: clinical testing. Allele origin: germline. Observed: 1 variant allele.
Comment: BS1, BP4, BP7

Blueprint Genetics
Classification: Likely benign. Last evaluated: 2024-11-06. Review status: criteria provided, single submitter. Criteria: ACMG Guidelines, 2015. Collection method: clinical testing. Allele origin: germline.

KCCC/NGS Laboratory, Kuwait Cancer Control Center
Classification: Benign for Neuroblastoma, susceptibility to, 3. Last evaluated: 2023-07-07. Review status: criteria provided, single submitter. Criteria: ACMG Guidelines, 2015. Collection method: clinical testing. Allele origin: germline. Affected: yes.

Women's Health and Genetics/Laboratory Corporation of America, LabCorp
Classification: Benign. Last evaluated: 2022-08-28. Review status: criteria provided, single submitter. Criteria: LabCorp Variant Classification Summary - May 2015. Collection method: clinical testing. Allele origin: germline.

Ambry Genetics
Classification: Benign for Hereditary cancer-predisposing syndrome. Last evaluated: 2018-09-13. Review status: criteria provided, single submitter. Criteria: Ambry Variant Classification Scheme 2023. Collection method: clinical testing. Allele origin: germline.

Illumina Laboratory Services, Illumina
Classification: Benign for Neuroblastoma, susceptibility to, 3. Last evaluated: 2018-01-12. Review status: criteria provided, single submitter. Criteria: ICSL Variant Classification Criteria 13 December 2019. Collection method: clinical testing. Allele origin: germline.
Comment: This variant was observed in the ICSL laboratory as part of a predisposition screen in an ostensibly healthy population. It had not been previously curated by ICSL or reported in the Human Gene Mutation Database (HGMD: prior to June 1st, 2018), and was therefore a candidate for classification through an automated scoring system. Utilizing variant allele frequency, disease prevalence and penetrance estimates, and inheritance mode, an automated score was calculated to assess if this variant is too frequent to cause the disease. Based on the score and internal cut-off values, a variant classified as benign is not then subjected to further curation. The score for this variant resulted in a classification of benign for this disease.

GeneDx
Classification: Likely benign. Last evaluated: 2017-06-09. Review status: criteria provided, single submitter. Criteria: GeneDx Variant Classification (06012015). Collection method: clinical testing. Allele origin: germline. Affected: yes.
Comment: This variant is considered likely benign or benign based on one or more of the following criteria: it is a conservative change, it occurs at a poorly conserved position in the protein, it is predicted to be benign by multiple in silico algorithms, and/or has population frequency not consistent with disease.

NM_004304.5(ALK):c.4836G>A (p.Lys1612=)

Gene: ALK (ALK receptor tyrosine kinase; minus strand). Cytogenetic location: 2p23.2.
Variant type: single nucleotide variant.
Coding change: c.4836G>A on transcript NM_004304.5 (MANE Select); coding-DNA position 4836, G replaced by A.
Protein change: p.Lys1612=; no amino-acid change (lysine 1612 retained).
Molecular consequence: synonymous variant.
Genome position (GRCh38, 1-based): chr2:29,193,251, C>T on the plus strand (G>A on the coding strand, the complement: ALK is on the minus strand). VCF-style: chr2-29193251-C-T. GRCh37 (hg19) VCF-style: chr2-29416117-C-T.
Other names: p.Lys1612=; c.1632G>A, p.Lys544= (NM_001353765.2).
Identifiers: ClinVar variation 239846 (VCV000239846.24), dbSNP rs78174819, ClinGen allele CA1593464.